The following is an entry in ClinVar:

NM_002386.4(MC1R):c.136C>T (p.Leu46Phe)

Gene: MC1R (melanocortin 1 receptor; plus strand). Cytogenetic location: 16q24.3.
Variant type: single nucleotide variant.
Coding change: c.136C>T on transcript NM_002386.4 (MANE Select); coding-DNA position 136, C replaced by T.
Protein change: p.Leu46Phe; replaces leucine 46 with phenylalanine.
Molecular consequence: missense variant.
Genome position (GRCh38, 1-based): chr16:89,919,394, C>T. VCF-style: chr16-89919394-C-T. GRCh37 (hg19) VCF-style: chr16-89985802-C-T.
Other names: short protein forms L46F.
Identifiers: ClinVar variation 2064938 (VCV002064938.4), dbSNP rs775806791, ClinGen allele CA286607389.

ClinVar aggregate classification (germline): Uncertain significance (1 of 4 stars; one submission).

Conditions:
Melanoma, cutaneous malignant, susceptibility to, 5. Also called: Cutaneous malignant melanoma 5. Identifiers: Orphanet 618, MedGen C2751295, MONDO:0013133, OMIM 613099.

gnomAD v4.1: 2 of 1,613,238 alleles (0.00012%); highest among the groups gnomAD compares: Admixed American, 0.0017%; no homozygotes.

Submission:

Labcorp Genetics (formerly Invitae), Labcorp
Classification: Uncertain significance for Melanoma, cutaneous malignant, susceptibility to, 5. Last evaluated: 2022-06-22. Review status: criteria provided, single submitter. Criteria: Invitae Variant Classification Sherloc (09022015). Collection method: clinical testing. Allele origin: germline.
Comment: Algorithms developed to predict the effect of missense changes on protein structure and function are either unavailable or do not agree on the potential impact of this missense change (SIFT: "Deleterious"; PolyPhen-2: "Benign"; Align-GVGD: "Class C15"). In summary, the available evidence is currently insufficient to determine the role of this variant in disease. Therefore, it has been classified as a Variant of Uncertain Significance. This variant has not been reported in the literature in individuals affected with MC1R-related conditions. This variant is present in population databases (no rsID available, gnomAD no frequency). This sequence change replaces leucine, which is neutral and non-polar, with phenylalanine, which is neutral and non-polar, at codon 46 of the MC1R protein (p.Leu46Phe).